The following is an entry in ClinVar:

ClinVar aggregate classification (germline): Pathogenic (1 of 4 stars; one submission).

Conditions:
Gorlin syndrome. Also called: Basal cell nevus syndrome; Nevoid Basal Cell Carcinoma Syndrome. Identifiers: Orphanet 377, MedGen C0004779, MONDO:0007187.

Submission:

Labcorp Genetics (formerly Invitae), Labcorp
Classification: Pathogenic for Gorlin syndrome. Last evaluated: 2020-09-16. Review status: criteria provided, single submitter. Criteria: Invitae Variant Classification Sherloc (09022015). Collection method: clinical testing. Allele origin: germline.
Comment: For these reasons, this variant has been classified as Pathogenic. Donor and acceptor splice site variants typically lead to a loss of protein function (PMID: 16199547), and loss-of-function variants in PTCH1 are known to be pathogenic (PMID: 16301862, 16419085). Algorithms developed to predict the effect of sequence changes on RNA splicing suggest that this variant may disrupt the consensus splice site, but this prediction has not been confirmed by published transcriptional studies. Disruption of this splice site has been observed in individual(s) with nevoid basal cell carcinoma syndrome (PMID: 16088933, Invitae). This variant is not present in population databases (ExAC no frequency). This sequence change affects an acceptor splice site in intron 20 of the PTCH1 gene. It is expected to disrupt RNA splicing and likely results in an absent or disrupted protein product.

Literature cited by the submitters: PubMed 16199547; PubMed 16301862; PubMed 16419085; PubMed 16088933.

NM_000264.5(PTCH1):c.3450-2A>C

Gene: PTCH1 (patched 1; minus strand). Cytogenetic location: 9q22.32.
Variant type: single nucleotide variant.
Coding change: c.3450-2A>C on transcript NM_000264.5 (MANE Select); the canonical splice acceptor site of the intron before coding-DNA position 3450, A replaced by C.
Molecular consequence: splice acceptor variant.
Genome position (GRCh38, 1-based): chr9:95,449,942, T>G on the plus strand (A>C on the coding strand, the complement: PTCH1 is on the minus strand). VCF-style: chr9-95449942-T-G. GRCh37 (hg19) VCF-style: chr9-98212224-T-G.
Other names: c.3294-2A>C (NM_001354918.2); c.2997-2A>C (NM_001083605.3, NM_001083604.3, NM_001083606.3 and 1 more transcripts); c.3447-2A>C (NM_001083603.3); c.3252-2A>C (NM_001083602.3).
Identifiers: ClinVar variation 1075362 (VCV001075362.9), dbSNP rs863224443, ClinGen allele CA374111640.